The following is an entry in ClinVar:

NM_005751.5(AKAP9):c.6182A>T (p.Gln2061Leu)

Gene: AKAP9 (A-kinase anchoring protein 9; plus strand). Cytogenetic location: 7q21.2.
Variant type: single nucleotide variant.
Coding change: c.6182A>T on transcript NM_005751.5 (MANE Select); coding-DNA position 6182, A replaced by T.
Protein change: p.Gln2061Leu; replaces glutamine 2061 with leucine.
Molecular consequence: missense variant.
Genome position (GRCh38, 1-based): chr7:92,065,435, A>T. VCF-style: chr7-92065435-A-T. GRCh37 (hg19) VCF-style: chr7-91694749-A-T.
Other names: c.827A>T, p.Gln276Leu (NM_001379277.1); c.6182A>T, p.Gln2061Leu (NM_147185.3); short protein forms Q2061L, Q276L.
Identifiers: ClinVar variation 4033887 (VCV004033887.1).

ClinVar aggregate classification (germline): Uncertain significance (1 of 4 stars; one submission).

Conditions:
Cardiovascular phenotype. Identifiers: MedGen CN230736.

Submission:

Ambry Genetics
Classification: Uncertain significance for Cardiovascular phenotype. Last evaluated: 2025-04-23. Review status: criteria provided, single submitter. Criteria: Ambry Variant Classification Scheme 2023. Collection method: clinical testing. Allele origin: germline.
Comment: The p.Q2061L variant (also known as c.6182A>T), located in coding exon 25 of the AKAP9 gene, results from an A to T substitution at nucleotide position 6182. The glutamine at codon 2061 is replaced by leucine, an amino acid with dissimilar properties. This amino acid position is conserved. In addition, the in silico prediction for this alteration is inconclusive. Based on the available evidence, the clinical significance of this variant remains unclear.